The following is an entry in ClinVar:

ClinVar aggregate classification (germline): Likely pathogenic. Review status: criteria provided, multiple submitters, no conflicts (2 of 4 stars). 2 submissions from 2 submitters: Likely pathogenic (2). Last evaluated 2024-03-19.

Conditions:
Xeroderma pigmentosum, group C (XPC). Also called: Xeroderma pigmentosum, complementation group C; XPC-Related Xeroderma Pigmentosum; XERODERMA PIGMENTOSUM III; XP, GROUP C. Identifiers: Orphanet 910, MedGen C2752147, MONDO:0010211, OMIM 278720.

Allele frequency attached by ClinVar (database versions not stated): gnomAD exomes below 0.00001.
gnomAD v4.1: 3 of 1,567,908 alleles (0.00019%); highest among the groups gnomAD compares: Non-Finnish European, 0.00026%; no homozygotes.

Submissions (2):

Baylor Genetics
Classification: Likely pathogenic for Xeroderma pigmentosum, group C. Last evaluated: 2024-03-19. Review status: criteria provided, single submitter. Criteria: ACMG Guidelines, 2015. Collection method: clinical testing. Allele origin: unknown.

Labcorp Genetics (formerly Invitae), Labcorp
Classification: Likely pathogenic. Last evaluated: 2022-08-12. Review status: criteria provided, single submitter. Criteria: Invitae Variant Classification Sherloc (09022015). Collection method: clinical testing. Allele origin: germline.
Comment: Algorithms developed to predict the effect of sequence changes on RNA splicing suggest that this variant may disrupt the consensus splice site. In summary, the currently available evidence indicates that the variant is pathogenic, but additional data are needed to prove that conclusively. Therefore, this variant has been classified as Likely Pathogenic. ClinVar contains an entry for this variant (Variation ID: 959809). This variant has not been reported in the literature in individuals affected with XPC-related conditions. This variant is not present in population databases (gnomAD no frequency). This sequence change affects an acceptor splice site in intron 1 of the XPC gene. It is expected to disrupt RNA splicing. Variants that disrupt the donor or acceptor splice site typically lead to a loss of protein function (PMID: 16199547), and loss-of-function variants in XPC are known to be pathogenic (PMID: 23173980, 25256075).

Literature cited by the submitters: PubMed 16199547 (cited by Labcorp Genetics (formerly Invitae), Labcorp); PubMed 23173980 (cited by Labcorp Genetics (formerly Invitae), Labcorp); PubMed 25256075 (cited by Labcorp Genetics (formerly Invitae), Labcorp).

NM_004628.5(XPC):c.104-2A>G

Gene: XPC (XPC complex subunit, DNA damage recognition and repair factor; minus strand). Cytogenetic location: 3p25.1.
Variant type: single nucleotide variant.
Coding change: c.104-2A>G on transcript NM_004628.5 (MANE Select); the canonical splice acceptor site of the intron before coding-DNA position 104, A replaced by G.
Molecular consequence: splice acceptor variant.
Genome position (GRCh38, 1-based): chr3:14,173,064, T>C on the plus strand (A>G on the coding strand, the complement: XPC is on the minus strand). VCF-style: chr3-14173064-T-C. GRCh37 (hg19) VCF-style: chr3-14214564-T-C.
Other names: c.86-2A>G (NM_001354729.2); c.-352-2A>G (NM_001354726.2); c.104-2A>G (NM_001354730.2, NM_001354727.2).
Identifiers: ClinVar variation 959809 (VCV000959809.10), dbSNP rs1696679400, ClinGen allele CA351543417.